The following is an entry in ClinVar:

NM_173660.5(DOK7):c.533-29A>G

Genes: DOK7 (docking protein 7; plus strand), LOC126806951 (CDK7 strongly-dependent group 2 enhancer GRCh37_chr4:3486115-3487314; plus strand). Cytogenetic location: 4p16.3.
Variant type: single nucleotide variant.
Coding change: c.533-29A>G on transcript NM_173660.5 (MANE Select); 29 bases into the intron before coding-DNA position 533, A replaced by G.
Molecular consequence: intron variant.
Genome position (GRCh38, 1-based): chr4:3,485,510, A>G. VCF-style: chr4-3485510-A-G. GRCh37 (hg19) VCF-style: chr4-3487237-A-G.
Other names: c.101-29A>G (NM_001363811.2); c.522-29A>G (NM_001164673.2); c.533-29A>G (NM_001301071.2); c.-398-29A>G (NM_001256896.2).
Identifiers: ClinVar variation 262878 (VCV000262878.6), dbSNP rs2006791, ClinGen allele CA2829049.

ClinVar aggregate classification (germline): Benign. Review status: criteria provided, multiple submitters, no conflicts (2 of 4 stars). 5 submissions from 4 submitters: Benign (5). Last evaluated 2021-07-30.

Conditions:
Fetal akinesia deformation sequence 3. Identifiers: MedGen C4760599, MONDO:0100103, OMIM 618389.
Congenital myasthenic syndrome 10. Also called: Myasthenia, limb-girdle, familial. Identifiers: Orphanet 590, MedGen C1850792, MONDO:0009690, OMIM 254300.

Allele frequency attached by ClinVar (database versions not stated): gnomAD exomes 0.71871 and 0.76545; gnomAD 0.73240 and 0.73701; TOPMed 0.73838; 1000 Genomes Project 0.78175; ExAC 0.75891; ESP Exome Variant Server 0.71217; 1000 Genomes Project 30x 0.77264.
gnomAD v4.1: 1,117,449 of 1,549,968 alleles (72%); highest among the groups gnomAD compares: East Asian, 94%; 405,822 homozygotes.

Submissions (5):

Genome-Nilou Lab
Classification: Benign for Fetal akinesia deformation sequence 3. Last evaluated: 2021-07-30. Review status: criteria provided, single submitter. Criteria: ACMG Guidelines, 2015. Collection method: clinical testing. Allele origin: germline. Affected: no.

Genome-Nilou Lab
Classification: Benign for Congenital myasthenic syndrome 10. Last evaluated: 2021-07-30. Review status: criteria provided, single submitter. Criteria: ACMG Guidelines, 2015. Collection method: clinical testing. Allele origin: germline. Affected: no.

GeneDx
Classification: Benign. Last evaluated: 2018-06-16. Review status: criteria provided, single submitter. Criteria: GeneDx Variant Classification (06012015). Collection method: clinical testing. Allele origin: germline. Affected: yes.
Comment: This variant is considered likely benign or benign based on one or more of the following criteria: it is a conservative change, it occurs at a poorly conserved position in the protein, it is predicted to be benign by multiple in silico algorithms, and/or has population frequency not consistent with disease.

Breakthrough Genomics
Classification: Benign. Review status: criteria provided, single submitter. Criteria: ACMG Guidelines, 2015. Collection method: not provided. Allele origin: germline. Inheritance: Autosomal recessive inheritance. Affected: yes.

PreventionGenetics, part of Exact Sciences
Classification: Benign. Review status: criteria provided, single submitter. Criteria: ACMG Guidelines, 2015. Collection method: clinical testing. Allele origin: germline.